The following is an entry in ClinVar:

ClinVar aggregate classification (germline): Uncertain significance (1 of 4 stars; one submission).

Conditions:
BAP1-related tumor predisposition syndrome (TPDS1). Also called: Tumor susceptibility linked to germline BAP1 mutations; TUMOR PREDISPOSITION SYNDROME 1; BAP1 tumor predisposition syndrome; COMMON Syndrome. Identifiers: Orphanet 289539, MedGen C3280492, MONDO:0013692, OMIM 614327.

Submission:

Labcorp Genetics (formerly Invitae), Labcorp
Classification: Uncertain significance for BAP1-related tumor predisposition syndrome. Last evaluated: 2018-05-16. Review status: criteria provided, single submitter. Criteria: Invitae Variant Classification Sherloc (09022015). Collection method: clinical testing. Allele origin: germline.
Comment: This sequence change replaces glycine with arginine at codon 560 of the BAP1 protein (p.Gly560Arg). The glycine residue is moderately conserved and there is a moderate physicochemical difference between glycine and arginine. This variant is not present in population databases (ExAC no frequency). This variant has not been reported in the literature in individuals with BAP1-related disease. Algorithms developed to predict the effect of missense changes on protein structure and function are either unavailable or do not agree on the potential impact of this missense change (SIFT: "Deleterious"; PolyPhen-2: "Possibly Damaging"; Align-GVGD: "Class C0"). In summary, the available evidence is currently insufficient to determine the role of this variant in disease. Therefore, it has been classified as a Variant of Uncertain Significance.

NM_004656.4(BAP1):c.1678G>C (p.Gly560Arg)

Gene: BAP1 (BRCA1 associated deubiquitinase 1; minus strand). Cytogenetic location: 3p21.1.
Variant type: single nucleotide variant.
Coding change: c.1678G>C on transcript NM_004656.4 (MANE Select); coding-DNA position 1678, G replaced by C.
Protein change: p.Gly560Arg; replaces glycine 560 with arginine.
Molecular consequence: missense variant.
Genome position (GRCh38, 1-based): chr3:52,403,467, C>G on the plus strand (G>C on the coding strand, the complement: BAP1 is on the minus strand). VCF-style: chr3-52403467-C-G. GRCh37 (hg19) VCF-style: chr3-52437483-C-G.
Other names: short protein forms G560R.
Identifiers: ClinVar variation 572974 (VCV000572974.6), dbSNP rs546888007, ClinGen allele CA353099900.
Genomic context (GRCh38, chr3:52,403,467, plus strand): 5'-AAGGCCCACCTGTCAGCGCCAGGGGACTCAGCACCCCATCCTCAGCCAGGTGCAGCAGGC[C>G]TGTGCTGATGACAGGACCCAGATCACGGACAGCACGGTTGTAGCGTATGCAGTCAACACG-3'
Protein context (NP_004647.1, residues 550-570): VRDLGPVIST[Gly560Arg]LLHLAEDGVL